The following is an entry in ClinVar:

NM_001267550.2(TTN):c.91979G>A (p.Arg30660Gln)

Genes: TTN (titin; minus strand), TTN-AS1 (TTN antisense RNA 1; plus strand). Cytogenetic location: 2q31.2.
Variant type: single nucleotide variant.
Coding change: c.91979G>A on transcript NM_001267550.2 (MANE Select); coding-DNA position 91979, G replaced by A.
Protein change: p.Arg30660Gln; replaces arginine 30660 with glutamine.
Molecular consequence: missense variant.
Genome position (GRCh38, 1-based): chr2:178,549,743, C>T on the plus strand (G>A on the coding strand, the complement: TTN is on the minus strand). VCF-style: chr2-178549743-C-T. GRCh37 (hg19) VCF-style: chr2-179414470-C-T.
Other names: c.87056G>A, p.Arg29019Gln (NM_001256850.1); c.64784G>A, p.Arg21595Gln (NM_003319.4); c.84275G>A, p.Arg28092Gln (NM_133378.4); c.65159G>A, p.Arg21720Gln (NM_133432.3); c.65360G>A, p.Arg21787Gln (NM_133437.4); short protein forms R28092Q, R21720Q, R30660Q, R21595Q, R21787Q, R29019Q.
Identifiers: ClinVar variation 1753732 (VCV001753732.2), dbSNP rs765986284, ClinGen allele CA1987522.
Genomic context (GRCh38, chr2:178,549,743, plus strand): 5'-GTGTAACTTTGGGCTTCACATTTATCCTCAATTAGTGCCCAGGCAAGTCTGCTGGTTTCC[C>T]GTTTTTCAATGATGTAGTGGGTTATGGGAGCACAACCGTCATTGAGTGGGGCATCCCACC-3'
Protein context (NP_001254479.2, residues 30650-30670): APITHYIIEK[Arg30660Gln]ETSRLAWALI

ClinVar aggregate classification (germline): Uncertain significance (1 of 4 stars; one submission).

Conditions:
Cardiovascular phenotype. Identifiers: MedGen CN230736.

Allele frequency attached by ClinVar (database versions not stated): gnomAD exomes 0.00001; TOPMed 0.00001; ExAC 0.00002.

Submission:

Ambry Genetics
Classification: Uncertain significance for Cardiovascular phenotype. Last evaluated: 2020-03-26. Review status: criteria provided, single submitter. Criteria: Ambry Variant Classification Scheme 2023. Collection method: clinical testing. Allele origin: germline.
Comment: The p.R21595Q variant (also known as c.64784G>A), located in coding exon 165 of the TTN gene, results from a G to A substitution at nucleotide position 64784. The arginine at codon 21595 is replaced by glutamine, an amino acid with highly similar properties. This amino acid position is highly conserved in available vertebrate species. In addition, this alteration is predicted to be tolerated by in silico analysis. Since supporting evidence is limited at this time, the clinical significance of this alteration remains unclear.